The following is an entry in ClinVar:

NM_001145358.2(SIN3A):c.3590A>G (p.Gln1197Arg)

Gene: SIN3A (SIN3 transcription regulator family member A; minus strand). Cytogenetic location: 15q24.2.
Variant type: single nucleotide variant.
Coding change: c.3590A>G on transcript NM_001145358.2 (MANE Select); coding-DNA position 3590, A replaced by G.
Protein change: p.Gln1197Arg; replaces glutamine 1197 with arginine.
Molecular consequence: missense variant.
Genome position (GRCh38, 1-based): chr15:75,375,666, T>C on the plus strand (A>G on the coding strand, the complement: SIN3A is on the minus strand). VCF-style: chr15-75375666-T-C. GRCh37 (hg19) VCF-style: chr15-75668007-T-C.
Other names: c.3590A>G, p.Gln1197Arg (NM_001145357.2, NM_015477.3); short protein forms Q1197R.
Identifiers: ClinVar variation 2698252 (VCV002698252.3), dbSNP rs2542996808, ClinGen allele CA393485170.

ClinVar aggregate classification (germline): Uncertain significance (1 of 4 stars; one submission).

Submission:

Labcorp Genetics (formerly Invitae), Labcorp
Classification: Uncertain significance. Last evaluated: 2023-11-24. Review status: criteria provided, single submitter. Criteria: Invitae Variant Classification Sherloc (09022015). Collection method: clinical testing. Allele origin: germline.
Comment: This sequence change replaces glutamine, which is neutral and polar, with arginine, which is basic and polar, at codon 1197 of the SIN3A protein (p.Gln1197Arg). This variant is not present in population databases (gnomAD no frequency). This variant has not been reported in the literature in individuals affected with SIN3A-related conditions. An algorithm developed to predict the effect of missense changes on protein structure and function (PolyPhen-2) suggests that this variant is likely to be tolerated. In summary, the available evidence is currently insufficient to determine the role of this variant in disease. Therefore, it has been classified as a Variant of Uncertain Significance.